The following is an entry in ClinVar:

NM_001164508.2(NEB):c.24994_24995dup (p.Gln8333fs)

Genes: NEB (nebulin; minus strand), RIF1 (replication timing regulatory factor 1; plus strand). Cytogenetic location: 2q23.3.
Variant type: Duplication.
Coding change: c.24994_24995dup on transcript NM_001164508.2 (MANE Select); coding-DNA positions 24994 to 24995, 2 bases duplicated (AT; older notation c.24994_24995dupAT).
Protein change: p.Gln8333fs; shifts the reading frame from glutamine 8333.
Molecular consequence: frameshift variant.
Genome position (GRCh38, 1-based): chr2:151,492,160-151,492,161, AT duplicated on the plus strand (AT on the coding strand, the reverse complement: NEB is on the minus strand); duplicating any 2 consecutive bases within chr2:151,492,160-151,492,162 gives the same sequence; the c. name uses the placement nearest the transcript's 3' end. VCF-style (leftmost placement, unchanged base first): chr2-151492159-A-AAT. GRCh37 (hg19) VCF-style: chr2-152348673-A-AAT.
Other names: c.24994_24995dup, p.Gln8333fs (NM_001164507.2); c.25099_25100dup, p.Gln8368fs (NM_001271208.2); c.19426_19427dup, p.Gln6477fs (NM_004543.5); short protein forms Q6477fs, Q8333fs, Q8368fs.
Identifiers: ClinVar variation 2771052 (VCV002771052.3), dbSNP rs2551706848, ClinGen allele CA2697551060.

ClinVar aggregate classification (germline): Pathogenic (1 of 4 stars; one submission).

Conditions:
Nemaline myopathy 2 (NEM2). Also called: Nemaline myopathy 2, autosomal recessive. Identifiers: MedGen C1850569, MONDO:0009725, OMIM 256030.

Submission:

Labcorp Genetics (formerly Invitae), Labcorp
Classification: Pathogenic for Nemaline myopathy 2. Last evaluated: 2018-03-06. Review status: criteria provided, single submitter. Criteria: Invitae Variant Classification Sherloc (09022015). Collection method: clinical testing. Allele origin: germline.
Comment: This sequence change creates a premature translational stop signal (p.Gln8368Phefs*6) in the NEB gene. It is expected to result in an absent or disrupted protein product. For these reasons, this variant has been classified as Pathogenic. Loss-of-function variants in NEB are known to be pathogenic (PMID: 25205138). This variant has not been reported in the literature in individuals with NEB-related disease. This variant is not present in population databases (ExAC no frequency).

Literature cited by the submitters: PubMed 25205138.